The following is an entry in ClinVar:

NM_003718.5(CDK13):c.422C>A (p.Thr141Asn)

Genes: CDK13 (cyclin dependent kinase 13; plus strand), LOC129998292 (ATAC-STARR-seq lymphoblastoid silent region 18115; plus strand). Cytogenetic location: 7p14.1.
Variant type: single nucleotide variant.
Coding change: c.422C>A on transcript NM_003718.5 (MANE Select); coding-DNA position 422, C replaced by A.
Protein change: p.Thr141Asn; replaces threonine 141 with asparagine.
Molecular consequence: missense variant.
Genome position (GRCh38, 1-based): chr7:39,951,063, C>A. VCF-style: chr7-39951063-C-A. GRCh37 (hg19) VCF-style: chr7-39990662-C-A.
Other names: c.422C>A, p.Thr141Asn (NM_031267.4); short protein forms T141N.
Identifiers: ClinVar variation 3765828 (VCV003765828.1).

ClinVar aggregate classification (germline): Uncertain significance (1 of 4 stars; one submission).

Submission:

Greenwood Genetic Center Diagnostic Laboratories, Greenwood Genetic Center
Classification: Uncertain significance. Last evaluated: 2024-12-17. Review status: criteria provided, single submitter. Criteria: ACMG Guidelines, 2015. Collection method: clinical testing. Allele origin: germline. Affected: yes.
Comment: PM2